The following is an entry in ClinVar:

NM_001244008.2(KIF1A):c.1207+5G>A

Gene: KIF1A (kinesin family member 1A; minus strand). Cytogenetic location: 2q37.3.
Variant type: single nucleotide variant.
Coding change: c.1207+5G>A on transcript NM_001244008.2 (MANE Select); 5 bases into the intron after coding-DNA position 1207, G replaced by A.
Molecular consequence: intron variant.
Genome position (GRCh38, 1-based): chr2:240,772,565, C>T on the plus strand (G>A on the coding strand, the complement: KIF1A is on the minus strand). VCF-style: chr2-240772565-C-T. GRCh37 (hg19) VCF-style: chr2-241711982-C-T.
Other names: c.1180+549G>A (NM_001379653.1, NM_001379650.1, NM_001379645.1 and 12 more transcripts); c.1207+5G>A (NM_001379635.1, NM_001320705.2, NM_001379638.1 and 5 more transcripts).
Identifiers: ClinVar variation 1307638 (VCV001307638.2), dbSNP rs2125964190, ClinGen allele CA2573051905.

ClinVar aggregate classification (germline): Uncertain significance (1 of 4 stars; one submission).

Submission:

GeneDx
Classification: Uncertain significance. Last evaluated: 2019-08-28. Review status: criteria provided, single submitter. Criteria: GeneDx Variant Classification Process June 2021. Collection method: clinical testing. Allele origin: germline. Affected: yes.
Comment: Not observed in large population cohorts (Lek et al., 2016); In-silico analysis, which includes splice predictors and evolutionary conservation, is inconclusive as to whether the variant alters gene splicing. In the absence of RNA/functional studies, the actual effect of this sequence change is unknown.; Has not been previously published as pathogenic or benign to our knowledge